The following is an entry in ClinVar:

ClinVar aggregate classification (germline): Uncertain significance (1 of 4 stars; one submission).

Conditions:
Inborn genetic diseases. Identifiers: MedGen C0950123, MeSH D030342.

gnomAD v4.1: 1 of 1,614,188 alleles (0.000062%); highest among the groups gnomAD compares: Non-Finnish European, 0.000085%; no homozygotes.

Submission:

Ambry Genetics
Classification: Uncertain significance for Inborn genetic diseases. Last evaluated: 2025-07-17. Review status: criteria provided, single submitter. Criteria: Ambry Variant Classification Scheme 2023. Collection method: clinical testing. Allele origin: germline.
Comment: The p.Y213N variant (also known as c.637T>A), located in coding exon 5 of the FANCG gene, results from a T to A substitution at nucleotide position 637. The tyrosine at codon 213 is replaced by asparagine, an amino acid with dissimilar properties. This amino acid position is conserved. In addition, the in silico prediction for this alteration is inconclusive. Based on the available evidence, the clinical significance of this variant remains unclear.

NM_004629.2(FANCG):c.637T>A (p.Tyr213Asn)

Gene: FANCG (FA complementation group G; minus strand). Cytogenetic location: 9p13.3.
Variant type: single nucleotide variant.
Coding change: c.637T>A on transcript NM_004629.2 (MANE Select); coding-DNA position 637, T replaced by A.
Protein change: p.Tyr213Asn; replaces tyrosine 213 with asparagine.
Molecular consequence: missense variant.
Genome position (GRCh38, 1-based): chr9:35,077,273, A>T on the plus strand (T>A on the coding strand, the complement: FANCG is on the minus strand). VCF-style: chr9-35077273-A-T. GRCh37 (hg19) VCF-style: chr9-35077270-A-T.
Other names: short protein forms Y213N.
Identifiers: ClinVar variation 4254444 (VCV004254444.1).